The following is an entry in ClinVar:

NM_006469.5(IVNS1ABP):c.240A>G (p.Pro80=)

Gene: IVNS1ABP (influenza virus NS1A binding protein; minus strand). Cytogenetic location: 1q25.3.
Variant type: single nucleotide variant.
Coding change: c.240A>G on transcript NM_006469.5 (MANE Select); coding-DNA position 240, A replaced by G.
Protein change: p.Pro80=; no amino-acid change (proline 80 retained).
Molecular consequence: synonymous variant.
Genome position (GRCh38, 1-based): chr1:185,309,044, T>C on the plus strand (A>G on the coding strand, the complement: IVNS1ABP is on the minus strand). VCF-style: chr1-185309044-T-C. GRCh37 (hg19) VCF-style: chr1-185278176-T-C.
Identifiers: ClinVar variation 3044440 (VCV003044440.2), dbSNP rs139483777, ClinGen allele CA1290662.
Genomic context (GRCh38, chr1:185,309,044, plus strand): 5'-TTACTTCAAATGTACTTACTGAGCAGTGTAGGCATAATTCAACAAGACTTCAACAGCTTC[T>C]GGATTGAGATCATCAAATTTAACGTGAGAAATTCCATGAGGATCACTATCACTATTAAAG-3'
Protein context (NP_006460.2, residues 70-90): ISHVKFDDLN[Pro80=]EAVEVLLNYA

ClinVar aggregate classification (germline): Likely benign (0 of 4 stars; one submission).

Conditions:
IVNS1ABP-related disorder. Also called: IVNS1ABP-related condition.

Allele frequency attached by ClinVar (database versions not stated): gnomAD exomes 0.00064; ExAC 0.00092; ESP Exome Variant Server 0.00154; gnomAD 0.00168; TOPMed 0.00195; 1000 Genomes Project 30x 0.00234; 1000 Genomes Project 0.00260.
gnomAD v4.1: 1,240 of 1,612,840 alleles (0.077%); highest among the groups gnomAD compares: Middle Eastern, 0.71%; 7 homozygotes.

Submission:

PreventionGenetics, part of Exact Sciences
Classification: Likely benign for IVNS1ABP-related condition. Last evaluated: 2023-04-11. Review status: no assertion criteria provided. Collection method: clinical testing. Allele origin: germline.
Comment: This variant is classified as likely benign based on ACMG/AMP sequence variant interpretation guidelines (Richards et al. 2015 PMID: 25741868, with internal and published modifications).